The following is an entry in ClinVar:

ClinVar aggregate classification (germline): Uncertain significance. Review status: criteria provided, multiple submitters, no conflicts (2 of 4 stars). 2 submissions from 2 submitters: Uncertain significance (2). Last evaluated 2023-11-10.

Conditions:
Spermatogenic failure 18. Identifiers: MedGen C4539783, MONDO:0054615, OMIM 617576.
Ciliary dyskinesia, primary, 37 (CILD37). Also called: CILIARY DYSKINESIA, PRIMARY, 37, WITH OR WITHOUT SITUS INVERSUS. Identifiers: MedGen C4539798, MONDO:0033204, OMIM 617577.

Allele frequency attached by ClinVar (database versions not stated): gnomAD exomes below 0.00001; gnomAD 0.00001; TOPMed 0.00001.
gnomAD v4.1: 9 of 1,604,800 alleles (0.00056%); highest among the groups gnomAD compares: Non-Finnish European, 0.00068%; no homozygotes.

Submissions (2):

Labcorp Genetics (formerly Invitae), Labcorp
Classification: Uncertain significance for Ciliary dyskinesia, primary, 37; Spermatogenic failure 18. Last evaluated: 2023-11-10. Review status: criteria provided, single submitter. Criteria: Invitae Variant Classification Sherloc (09022015). Collection method: clinical testing. Allele origin: germline.
Comment: This sequence change replaces glutamic acid, which is acidic and polar, with glutamine, which is neutral and polar, at codon 2146 of the DNAH1 protein (p.Glu2146Gln). The frequency data for this variant in the population databases is considered unreliable, as metrics indicate poor data quality at this position in the gnomAD database. This variant has not been reported in the literature in individuals affected with DNAH1-related conditions. ClinVar contains an entry for this variant (Variation ID: 1035549). Advanced modeling of protein sequence and biophysical properties (such as structural, functional, and spatial information, amino acid conservation, physicochemical variation, residue mobility, and thermodynamic stability) performed at Invitae indicates that this missense variant is not expected to disrupt DNAH1 protein function with a negative predictive value of 80%. Algorithms developed to predict the effect of sequence changes on RNA splicing suggest that this variant may create or strengthen a splice site. In summary, the available evidence is currently insufficient to determine the role of this variant in disease. Therefore, it has been classified as a Variant of Uncertain Significance.

Fulgent Genetics
Classification: Uncertain significance for Spermatogenic failure 18; Ciliary dyskinesia, primary, 37. Last evaluated: 2022-05-23. Review status: criteria provided, single submitter. Criteria: ACMG Guidelines, 2015. Collection method: clinical testing. Allele origin: unknown.

NM_015512.5(DNAH1):c.6436G>C (p.Glu2146Gln)

Gene: DNAH1 (dynein axonemal heavy chain 1; plus strand). Cytogenetic location: 3p21.1.
Variant type: single nucleotide variant.
Coding change: c.6436G>C on transcript NM_015512.5 (MANE Select); coding-DNA position 6436, G replaced by C.
Protein change: p.Glu2146Gln; replaces glutamic acid 2146 with glutamine.
Molecular consequence: missense variant.
Genome position (GRCh38, 1-based): chr3:52,370,736, G>C. VCF-style: chr3-52370736-G-C. GRCh37 (hg19) VCF-style: chr3-52404752-G-C.
Other names: short protein forms E2146Q.
Identifiers: ClinVar variation 1035549 (VCV001035549.4), dbSNP rs946605027, ClinGen allele CA353161201.